The following is an entry in ClinVar:

NM_000131.4(F7):c.-61T>G

Gene: F7 (coagulation factor VII; plus strand). Cytogenetic location: 13q34.
Variant type: single nucleotide variant.
Coding change: c.-61T>G on transcript NM_000131.4; 61 bases upstream of the start codon, T replaced by G.
Genome position (GRCh38, 1-based): chr13:113,105,781, T>G. VCF-style: chr13-113105781-T-G. GRCh37 (hg19) VCF-style: chr13-113760095-T-G.
Other names: F7, -61T-G; -61T-G.
Identifiers: ClinVar variation 626946 (VCV000626946.7), dbSNP rs1367115848, ClinGen allele CA612688703.

ClinVar aggregate classification (germline): Likely pathogenic. Review status: criteria provided, multiple submitters, no conflicts (2 of 4 stars). 4 submissions from 4 submitters: Likely pathogenic (3). 1 of the submissions does not count toward it. Last evaluated 2024-11-11.

Conditions:
Congenital factor VII deficiency. Identifiers: Orphanet 327, MedGen C0272320, MONDO:0009211, OMIM 227500.
F7-related disorders.
Factor VII deficiency. Also called: F7 DEFICIENCY; HYPOPROCONVERTINEMIA; Factor 7 deficiency. Identifiers: MedGen C0015503, MeSH D005168, MONDO:0002244.

Allele frequency attached by ClinVar (database versions not stated): gnomAD exomes 0.00001; TOPMed 0.00002.

Submissions (4):

Blueprint Genetics
Classification: Likely pathogenic for F7-related disorders. Last evaluated: 2024-11-11. Review status: criteria provided, single submitter. Criteria: ACMG Guidelines, 2015. Collection method: clinical testing. Allele origin: germline. Affected: yes. Observed: 5 variant alleles.

Women's Health and Genetics/Laboratory Corporation of America, LabCorp
Classification: Likely pathogenic for Congenital factor VII deficiency. Last evaluated: 2024-09-12. Review status: criteria provided, single submitter. Criteria: LabCorp Variant Classification Summary - May 2015. Collection method: clinical testing. Allele origin: germline.
Comment: Variant summary: F7 c.-61T>G is located in the untranscribed region upstream of the F7 gene region. The variant allele was found at a frequency of 8.4e-06 in 1542108 control chromosomes. This frequency is not significantly higher than estimated for a pathogenic variant in F7 causing Congenital factor VII deficiency, allowing no conclusion about variant significance. c.-61T>G has been reported in the literature in homozygous individuals affected with Congenital factor VII deficiency or in affected individuals with unspecified zygosity (e.g Arbini_1997, Downes_2019, Herrmann_2019, Moghadam_2024). These data indicate that the variant may be associated with disease. At least one publication reports experimental evidence evaluating an impact on protein function. The most pronounced variant effect results in significantly reduced transcriptional activity in transfected cells (e.g. Arbini_1997, Barbon_2016). The following publications have been ascertained in the context of this evaluation (PMID: 8978290, 27341548, 31064749, 18976247, 38614915). ClinVar contains an entry for this variant (Variation ID: 626946). Based on the evidence outlined above, the variant was classified as likely pathogenic.

NIHR Bioresource Rare Diseases, University of Cambridge
Classification: Likely pathogenic for Congenital factor VII deficiency. Last evaluated: 2019-02-01. Review status: criteria provided, single submitter. Criteria: ACMG Guidelines, 2015. Collection method: research. Allele origin: unknown. Affected: yes. Observed: 1 homozygote. Study: ThromboGenomics.

OMIM
Classification: Pathogenic for FACTOR VII DEFICIENCY. Last evaluated: 1997-01-01. Review status: no assertion criteria provided. Collection method: literature only. Allele origin: germline. Not counted in ClinVar's aggregate classification.

Literature cited by the submitters: PubMed 31064749 (cited by Women's Health and Genetics/Laboratory Corporation of America, LabCorp and NIHR Bioresource Rare Diseases, University of Cambridge); PubMed 18976247 (cited by Women's Health and Genetics/Laboratory Corporation of America, LabCorp); PubMed 8978290 (cited by Women's Health and Genetics/Laboratory Corporation of America, LabCorp and OMIM); PubMed 27341548 (cited by Women's Health and Genetics/Laboratory Corporation of America, LabCorp); PubMed 38614915 (cited by Women's Health and Genetics/Laboratory Corporation of America, LabCorp).